The following is an entry in ClinVar:

ClinVar aggregate classification (germline): Pathogenic/Likely pathogenic. Review status: criteria provided, multiple submitters, no conflicts (2 of 4 stars). 2 submissions from 2 submitters: Pathogenic (1); Likely pathogenic (1). Last evaluated 2024-03-14.

Conditions:
Cataract 1 multiple types. Also called: CATARACT 1, MULTIPLE TYPES, WITH OR WITHOUT MICROCORNEA; CATARACT, DUFFY-LINKED; CATARACT 1, POSTERIOR SUBCAPSULAR, WITH MICROCORNEA; CATARACT 1, STELLATE NUCLEAR, WITH MICROCORNEA; CATARACT 1, NUCLEAR PROGRESSIVE; CATARACT 1 WITH MICROCORNEA. Identifiers: Orphanet 1377, MedGen C1861828, MONDO:0007285, OMIM 116200.

Submissions (2):

Genomic Medicine Center of Excellence, King Faisal Specialist Hospital and Research Centre
Classification: Likely pathogenic for Cataract 1, multiple types. Last evaluated: 2024-03-14. Review status: criteria provided, single submitter. Criteria: ACMG Guidelines, 2015. Collection method: clinical testing. Allele origin: germline.

Labcorp Genetics (formerly Invitae), Labcorp
Classification: Pathogenic for Cataract 1 multiple types. Last evaluated: 2023-02-02. Review status: criteria provided, single submitter. Criteria: Invitae Variant Classification Sherloc (09022015). Collection method: clinical testing. Allele origin: germline.
Comment: Advanced modeling of protein sequence and biophysical properties (such as structural, functional, and spatial information, amino acid conservation, physicochemical variation, residue mobility, and thermodynamic stability) performed at Invitae indicates that this missense variant is expected to disrupt GJA8 protein function. For these reasons, this variant has been classified as Pathogenic. This missense change has been observed in individual(s) with autosomal dominant congenital cataracts (Invitae). In at least one individual the variant was observed to be de novo. This variant is not present in population databases (gnomAD no frequency). This sequence change replaces valine, which is neutral and non-polar, with alanine, which is neutral and non-polar, at codon 64 of the GJA8 protein (p.Val64Ala).

NM_005267.5(GJA8):c.191T>C (p.Val64Ala)

Gene: GJA8 (gap junction protein alpha 8; plus strand). Cytogenetic location: 1q21.2.
Variant type: single nucleotide variant.
Coding change: c.191T>C on transcript NM_005267.5 (MANE Select); coding-DNA position 191, T replaced by C.
Protein change: p.Val64Ala; replaces valine 64 with alanine.
Molecular consequence: missense variant.
Genome position (GRCh38, 1-based): chr1:147,908,146, T>C. VCF-style: chr1-147908146-T-C. GRCh37 (hg19) VCF-style: chr1-147380273-T-C.
Other names: short protein forms V64A.
Identifiers: ClinVar variation 2814004 (VCV002814004.4), dbSNP rs2524889379, ClinGen allele CA342223470.
Genomic context (GRCh38, chr1:147,908,146, plus strand): 5'-TGTGGGGGGATGAGCAATCCGACTTCGTGTGCAACACCCAGCAGCCTGGCTGCGAGAACG[T>C]CTGCTACGACGAGGCCTTTCCCATCTCCCACATTCGCCTCTGGGTGCTGCAGATCATCTT-3'
Protein context (NP_005258.2, residues 54-74): CNTQQPGCEN[Val64Ala]CYDEAFPISH